The following is an entry in ClinVar:

ClinVar aggregate classification (germline): Pathogenic (1 of 4 stars; one submission).

Conditions:
Familial focal epilepsy with variable foci (FPEVF). Identifiers: Orphanet 98820, MedGen C1858477, MONDO:0020310.

Submission:

Labcorp Genetics (formerly Invitae), Labcorp
Classification: Pathogenic for Familial focal epilepsy with variable foci. Last evaluated: 2021-11-27. Review status: criteria provided, single submitter. Criteria: Invitae Variant Classification Sherloc (09022015). Collection method: clinical testing. Allele origin: germline.
Comment: For these reasons, this variant has been classified as Pathogenic. This variant has not been reported in the literature in individuals affected with DEPDC5-related conditions. This variant is not present in population databases (gnomAD no frequency). This sequence change creates a premature translational stop signal (p.Ser1453Lysfs*6) in the DEPDC5 gene. It is expected to result in an absent or disrupted protein product. Loss-of-function variants in DEPDC5 are known to be pathogenic (PMID: 23542697, 23542701).

Literature cited by the submitters: PubMed 23542697; PubMed 23542701.

NM_001242896.3(DEPDC5):c.4357dup (p.Ser1453fs)

Gene: DEPDC5 (DEP domain containing 5, GATOR1 subcomplex subunit; plus strand). Cytogenetic location: 22q12.3.
Variant type: Duplication.
Coding change: c.4357dup on transcript NM_001242896.3 (MANE Select); coding-DNA position 4357, one base duplicated (A; older notation c.4357dupA).
Protein change: p.Ser1453fs; shifts the reading frame from serine 1453.
Molecular consequence: frameshift variant. On other transcripts: non-coding transcript variant (5).
Genome position (GRCh38, 1-based): chr22:31,897,635, A duplicated. VCF-style (leftmost placement, unchanged base first): chr22-31897634-C-CA. GRCh37 (hg19) VCF-style: chr22-32293620-C-CA.
Other names: c.4330dup, p.Ser1444fs (NM_001136029.4); c.4057dup, p.Ser1353fs (NM_001242897.2); c.4291dup, p.Ser1431fs (NM_001363852.2, NM_001364320.2); c.4123dup, p.Ser1375fs (NM_001363854.2, NM_001364319.2); c.4357dup, p.Ser1453fs (NM_001364318.2); c.4273dup, p.Ser1425fs (NM_001369901.1, NM_001369902.1); c.4264dup, p.Ser1422fs (NM_001369903.1, NM_014662.6); short protein forms S1375fs, S1453fs, S1422fs, S1425fs, S1444fs, S1353fs, S1431fs.
Identifiers: ClinVar variation 1382012 (VCV001382012.6), dbSNP rs2149397818, ClinGen allele CA2573158048.